The following is an entry in ClinVar:

NM_144991.3(TSPEAR):c.673G>A (p.Ala225Thr)

Gene: TSPEAR (thrombospondin type laminin G domain and EAR repeats; minus strand). Cytogenetic location: 21q22.3.
Variant type: single nucleotide variant.
Coding change: c.673G>A on transcript NM_144991.3 (MANE Select); coding-DNA position 673, G replaced by A.
Protein change: p.Ala225Thr; replaces alanine 225 with threonine.
Molecular consequence: missense variant.
Genome position (GRCh38, 1-based): chr21:44,529,915, C>T on the plus strand (G>A on the coding strand, the complement: TSPEAR is on the minus strand). VCF-style: chr21-44529915-C-T. GRCh37 (hg19) VCF-style: chr21-45949798-C-T.
Other names: c.469G>A, p.Ala157Thr (NM_001272037.2); short protein forms A225T, A157T.
Identifiers: ClinVar variation 504872 (VCV000504872.10), dbSNP rs146216896, ClinGen allele CA10056890.

ClinVar aggregate classification (germline): Uncertain significance. Review status: criteria provided, multiple submitters, no conflicts (2 of 4 stars). 4 submissions from 4 submitters: Uncertain significance (4). Last evaluated 2021-11-16.

Conditions:
Inborn genetic diseases. Identifiers: MedGen C0950123, MeSH D030342.

Allele frequency attached by ClinVar (database versions not stated): gnomAD exomes 0.00006 and 0.00008; gnomAD 0.00007 and 0.00008; ExAC 0.00008; ESP Exome Variant Server 0.00008; TOPMed 0.00008.
gnomAD v4.1: 94 of 1,609,834 alleles (0.0058%); highest among the groups gnomAD compares: African/African-American, 0.0067%; no homozygotes.

Submissions (4):

GeneDx
Classification: Uncertain significance. Last evaluated: 2021-11-16. Review status: criteria provided, single submitter. Criteria: GeneDx Variant Classification Process June 2021. Collection method: clinical testing. Allele origin: germline. Affected: yes.
Comment: In silico analysis supports that this missense variant does not alter protein structure/function; Has not been previously published as pathogenic or benign to our knowledge

Ambry Genetics
Classification: Uncertain significance for Inborn genetic diseases. Last evaluated: 2021-08-10. Review status: criteria provided, single submitter. Criteria: Ambry Variant Classification Scheme 2023. Collection method: clinical testing. Allele origin: germline.

Labcorp Genetics (formerly Invitae), Labcorp
Classification: Uncertain significance. Last evaluated: 2021-07-31. Review status: criteria provided, single submitter. Criteria: Invitae Variant Classification Sherloc (09022015). Collection method: clinical testing. Allele origin: germline.
Comment: This sequence change replaces alanine with threonine at codon 225 of the TSPEAR protein (p.Ala225Thr). The alanine residue is highly conserved and there is a small physicochemical difference between alanine and threonine. This variant is present in population databases (rs146216896, ExAC 0.01%). This variant has not been reported in the literature in individuals affected with TSPEAR-related conditions. ClinVar contains an entry for this variant (Variation ID: 504872). Algorithms developed to predict the effect of missense changes on protein structure and function are either unavailable or do not agree on the potential impact of this missense change (SIFT: "Deleterious"; PolyPhen-2: "Possibly Damaging"; Align-GVGD: "Class C0"). In summary, the available evidence is currently insufficient to determine the role of this variant in disease. Therefore, it has been classified as a Variant of Uncertain Significance.

Laboratory for Molecular Medicine, Mass General Brigham Personalized Medicine
Classification: Uncertain significance. Last evaluated: 2016-04-08. Review status: criteria provided, single submitter. Criteria: LMM Criteria. Collection method: clinical testing. Allele origin: germline. Observed: 1 variant allele.
Comment: The p.Ala225Thr variant in TSPEAR has not been previously reported in individual s with hearing loss. This variant has been identified in 9/62826 chromosomes by the Exome Aggregation Consortium (ExAC; dbSNP rs 146216896). Although this variant has been seen in the general population, its f requency is not high enough to rule out a pathogenic role. Computational predict ion tools and conservation analyses suggest that the p.Ala225Thr variant may imp act the protein, though this information is not predictive enough to determine p athogenicity. In summary, the clinical significance of the p.Ala225Thr variant i s uncertain.